The following is an entry in ClinVar:

NM_001128178.3(NPHP1):c.771+124C>T

Gene: NPHP1 (nephrocystin 1; minus strand). Cytogenetic location: 2q13.
Variant type: single nucleotide variant.
Coding change: c.771+124C>T on transcript NM_001128178.3 (MANE Select); 124 bases into the intron after coding-DNA position 771, C replaced by T.
Molecular consequence: intron variant. On other transcripts: nonsense (2).
Genome position (GRCh38, 1-based): chr2:110,164,564, G>A on the plus strand (C>T on the coding strand, the complement: NPHP1 is on the minus strand). VCF-style: chr2-110164564-G-A. GRCh37 (hg19) VCF-style: chr2-110922141-G-A.
Other names: c.895C>T, p.Gln299Ter (NM_000272.5, NM_207181.4); c.585+124C>T (NM_001128179.3); c.771+124C>T (NM_001374256.1, NM_001374257.1); short protein forms Q299*.
Identifiers: ClinVar variation 2677279 (VCV002677279.4), dbSNP rs1210552017, ClinGen allele CA348091677.
Genomic context (GRCh38, chr2:110,164,564, plus strand): 5'-TAATGAGAAATGTTACTTGGAGCACAGGCTTAGAAACCAGAAATATACGTCCTCTGCTCT[G>A]TACATTCCATGCCCTGAACCCTGTTTCAGATCCATTGGTGTCTTCCACAGTCTCCATCCT-3'

ClinVar aggregate classification (germline): Pathogenic/Likely pathogenic. Review status: criteria provided, multiple submitters, no conflicts (2 of 4 stars). 2 submissions from 2 submitters: Pathogenic (1); Likely pathogenic (1). Last evaluated 2023-06-29.

Conditions:
Nephronophthisis. Also called: Juvenile Nephronophthisis. Identifiers: Orphanet 655, MedGen C0687120, MONDO:0019005, HP:0000090.
Joubert syndrome with renal defect. Also called: JOUBERT SYNDROME 4. Identifiers: Orphanet 220497, MedGen C1846790, MONDO:0012308, OMIM 609583.

Allele frequency attached by ClinVar (database versions not stated): gnomAD 0.00001; TOPMed 0.00001.

Submissions (2):

Labcorp Genetics (formerly Invitae), Labcorp
Classification: Pathogenic for Nephronophthisis. Last evaluated: 2023-06-29. Review status: criteria provided, single submitter. Criteria: Invitae Variant Classification Sherloc (09022015). Collection method: clinical testing. Allele origin: germline.
Comment: This variant has not been reported in the literature in individuals affected with NPHP1-related conditions. For these reasons, this variant has been classified as Pathogenic. This variant is not present in population databases (gnomAD no frequency). This sequence change creates a premature translational stop signal (p.Gln299*) in the NPHP1 gene. It is expected to result in an absent or disrupted protein product. Loss-of-function variants in NPHP1 are known to be pathogenic (PMID: 23559409).

Baylor Genetics
Classification: Likely pathogenic for Joubert syndrome with renal defect. Last evaluated: 2022-08-16. Review status: criteria provided, single submitter. Criteria: ACMG Guidelines, 2015. Collection method: clinical testing. Allele origin: unknown.

Literature cited by the submitters: PubMed 23559409 (cited by Labcorp Genetics (formerly Invitae), Labcorp).